The following is an entry in ClinVar:

NM_004628.5(XPC):c.1872+1G>A

Gene: XPC (XPC complex subunit, DNA damage recognition and repair factor; minus strand). Cytogenetic location: 3p25.1.
Variant type: single nucleotide variant.
Coding change: c.1872+1G>A on transcript NM_004628.5 (MANE Select); the canonical splice donor site of the intron after coding-DNA position 1872, G replaced by A.
Molecular consequence: splice donor variant. On other transcripts: intron variant (1).
Genome position (GRCh38, 1-based): chr3:14,158,010, C>T on the plus strand (G>A on the coding strand, the complement: XPC is on the minus strand). VCF-style: chr3-14158010-C-T. GRCh37 (hg19) VCF-style: chr3-14199510-C-T.
Other names: c.1854+1G>A (NM_001354729.2); c.1293+1G>A (NM_001354726.2); c.1626+247G>A (NM_001354730.2); c.1872+1G>A (NM_001354727.2).
Identifiers: ClinVar variation 1939311 (VCV001939311.7), dbSNP rs1559374923, ClinGen allele CA351538847.

ClinVar aggregate classification (germline): Likely pathogenic. Review status: criteria provided, multiple submitters, no conflicts (2 of 4 stars). 2 submissions from 2 submitters: Likely pathogenic (2). Last evaluated 2024-03-12.

Conditions:
Xeroderma pigmentosum, group C (XPC). Also called: XERODERMA PIGMENTOSUM III; XP, GROUP C; Xeroderma pigmentosum, complementation group C; XPC-Related Xeroderma Pigmentosum. Identifiers: Orphanet 910, MedGen C2752147, MONDO:0010211, OMIM 278720.

gnomAD v4.1: 14 of 1,595,036 alleles (0.00088%); highest among the groups gnomAD compares: East Asian, 0.0023%; no homozygotes.

Submissions (2):

Baylor Genetics
Classification: Likely pathogenic for Xeroderma pigmentosum, group C. Last evaluated: 2024-03-12. Review status: criteria provided, single submitter. Criteria: ACMG Guidelines, 2015. Collection method: clinical testing. Allele origin: unknown.

Labcorp Genetics (formerly Invitae), Labcorp
Classification: Likely pathogenic. Last evaluated: 2023-10-08. Review status: criteria provided, single submitter. Criteria: Invitae Variant Classification Sherloc (09022015). Collection method: clinical testing. Allele origin: germline.
Comment: This sequence change affects a donor splice site in intron 9 of the XPC gene. It is expected to disrupt RNA splicing. Variants that disrupt the donor or acceptor splice site typically lead to a loss of protein function (PMID: 16199547), and loss-of-function variants in XPC are known to be pathogenic (PMID: 23173980, 25256075). This variant is not present in population databases (gnomAD no frequency). This variant has not been reported in the literature in individuals affected with XPC-related conditions. ClinVar contains an entry for this variant (Variation ID: 1939311). Algorithms developed to predict the effect of sequence changes on RNA splicing suggest that this variant may disrupt the consensus splice site. In summary, the currently available evidence indicates that the variant is pathogenic, but additional data are needed to prove that conclusively. Therefore, this variant has been classified as Likely Pathogenic.

Literature cited by the submitters: PubMed 16199547 (cited by Labcorp Genetics (formerly Invitae), Labcorp); PubMed 23173980 (cited by Labcorp Genetics (formerly Invitae), Labcorp); PubMed 25256075 (cited by Labcorp Genetics (formerly Invitae), Labcorp).